The following is an entry in ClinVar:

NM_001199799.2(ILDR1):c.353_357dup (p.Arg120fs)

Gene: ILDR1 (immunoglobulin like domain containing receptor 1; minus strand). Cytogenetic location: 3q13.33.
Variant type: Duplication.
Coding change: c.353_357dup on transcript NM_001199799.2 (MANE Select); coding-DNA positions 353 to 357, 5 bases duplicated (GGCAG; older notation c.353_357dupGGCAG).
Protein change: p.Arg120fs; shifts the reading frame from arginine 120.
Molecular consequence: frameshift variant.
Genome position (GRCh38, 1-based): chr3:122,005,266-122,005,270, CTGCC duplicated on the plus strand (GGCAG on the coding strand, the reverse complement: ILDR1 is on the minus strand). VCF-style (leftmost placement, unchanged base first): chr3-122005265-G-GCTGCC. GRCh37 (hg19) VCF-style: chr3-121724112-G-GCTGCC.
Other names: c.353_357dup, p.Arg120fs (NM_001199800.2, NM_175924.4); short protein forms R120fs.
Identifiers: ClinVar variation 3601176 (VCV003601176.1).
Genomic context (GRCh38, chr3:122,005,265, plus strand): 5'-CCCCACCCCCAGTTCCCCTGACACCTCCCCCGCACTCACGGTTCTGGATGGTGATCTTGC[G>GCTGCC]CTGCCGGTAATCTACCCCCAGCACGGGCTCATTCTGCCCCCGCCGCTGGGCCACTATGCG-3'

ClinVar aggregate classification (germline): Likely pathogenic (1 of 4 stars; one submission).

Conditions:
Autosomal recessive nonsyndromic hearing loss 42. Identifiers: Orphanet 90636, MedGen C1864818, MONDO:0012326, OMIM 609646.

Submission:

Institute of Rare Diseases, West China Hospital, Sichuan University
Classification: Likely pathogenic for Autosomal recessive nonsyndromic hearing loss 42. Last evaluated: 2025-01-09. Review status: criteria provided, single submitter. Criteria: ClinGen HL ACMG Specifications v1. Collection method: research. Allele origin: germline. Affected: yes.
Comment: PVS1;PM2_Supporting